The following is an entry in ClinVar:

ClinVar aggregate classification (germline): Uncertain significance. Review status: criteria provided, multiple submitters, no conflicts (2 of 4 stars). 2 submissions from 2 submitters: Uncertain significance (2). Last evaluated 2025-05-01.

Conditions:
Neuroblastoma, susceptibility to, 3. Also called: ALK-Related Neuroblastic Tumor Susceptibility. Identifiers: Orphanet 635, MedGen C2751681, MONDO:0013083, OMIM 613014.
Hereditary cancer-predisposing syndrome. Also called: Neoplastic Syndromes, Hereditary; Hereditary neoplastic syndrome; Hereditary Cancer Syndrome; Tumor predisposition. Identifiers: Orphanet 140162, MedGen C0027672, MeSH D009386, MONDO:0015356.

gnomAD v4.1: 5 of 1,614,130 alleles (0.00031%); highest among the groups gnomAD compares: East Asian, 0.0089%; no homozygotes.

Submissions (2):

Labcorp Genetics (formerly Invitae), Labcorp
Classification: Uncertain significance for Neuroblastoma, susceptibility to, 3. Last evaluated: 2025-05-01. Review status: criteria provided, single submitter. Criteria: Invitae Variant Classification Sherloc (09022015). Collection method: clinical testing. Allele origin: germline.
Comment: This sequence change replaces leucine, which is neutral and non-polar, with arginine, which is basic and polar, at codon 1533 of the ALK protein (p.Leu1533Arg). This variant is present in population databases (rs764298799, gnomAD 0.006%). This variant has not been reported in the literature in individuals affected with ALK-related conditions. ClinVar contains an entry for this variant (Variation ID: 1405728). An algorithm developed to predict the effect of missense changes on protein structure and function (PolyPhen-2) suggests that this variant is likely to be tolerated. In summary, the available evidence is currently insufficient to determine the role of this variant in disease. Therefore, it has been classified as a Variant of Uncertain Significance.

Ambry Genetics
Classification: Uncertain significance for Hereditary cancer-predisposing syndrome. Last evaluated: 2025-02-05. Review status: criteria provided, single submitter. Criteria: Ambry Variant Classification Scheme 2023. Collection method: clinical testing. Allele origin: germline.
Comment: The p.L1533R variant (also known as c.4598T>G), located in coding exon 29 of the ALK gene, results from a T to G substitution at nucleotide position 4598. The leucine at codon 1533 is replaced by arginine, an amino acid with dissimilar properties. This amino acid position is conserved. In addition, this alteration is predicted to be tolerated by in silico analysis. Since supporting evidence is limited at this time, the clinical significance of this alteration remains unclear.

NM_004304.5(ALK):c.4598T>G (p.Leu1533Arg)

Gene: ALK (ALK receptor tyrosine kinase; minus strand). Cytogenetic location: 2p23.2.
Variant type: single nucleotide variant.
Coding change: c.4598T>G on transcript NM_004304.5 (MANE Select); coding-DNA position 4598, T replaced by G.
Protein change: p.Leu1533Arg; replaces leucine 1533 with arginine.
Molecular consequence: missense variant.
Genome position (GRCh38, 1-based): chr2:29,193,489, A>C on the plus strand (T>G on the coding strand, the complement: ALK is on the minus strand). VCF-style: chr2-29193489-A-C. GRCh37 (hg19) VCF-style: chr2-29416355-A-C.
Other names: c.1394T>G, p.Leu465Arg (NM_001353765.2); short protein forms L465R, L1533R.
Identifiers: ClinVar variation 1405728 (VCV001405728.11), dbSNP rs764298799, ClinGen allele CA1593533.